The following is an entry in ClinVar:

NC_000005.9:g.(?_147762498)_(147823399_?)del

Gene: FBXO38 (F-box protein 38; plus strand). Cytogenetic location: 5q32.
Variant type: Deletion.
Identifiers: ClinVar variation 1047751 (VCV001047751.44).

ClinVar aggregate classification (germline): Uncertain significance (1 of 4 stars; one submission).

Conditions:
Distal hereditary motor neuropathy type 2. Identifiers: Orphanet 139525, MedGen C3711384, MeSH C580044, MONDO:0015352.

Submission:

Labcorp Genetics (formerly Invitae), Labcorp
Classification: Uncertain significance for Distal hereditary motor neuropathy type 2. Last evaluated: 2022-07-05. Review status: criteria provided, single submitter. Criteria: Invitae Variant Classification Sherloc (09022015). Collection method: clinical testing. Allele origin: germline.
Comment: In summary, the available evidence is currently insufficient to determine the role of this variant in disease. Therefore, it has been classified as a Variant of Uncertain Significance. This variant has not been reported in the literature in individuals affected with FBXO38-related conditions. A gross deletion of the genomic region encompassing the full coding sequence of the FBXO38 gene has been identified. The current clinical and genetic evidence is not sufficient to establish whether loss-of-function variants in FBXO38 cause disease. The boundaries of this event are unknown as they extend beyond the assayed region for this gene and therefore may encompass additional genes.